The following is an entry in ClinVar:

ClinVar aggregate classification (germline): Uncertain significance. Review status: criteria provided, multiple submitters, no conflicts (2 of 4 stars). 4 submissions from 4 submitters: Uncertain significance (4). Last evaluated 2025-12-15.

Conditions:
Autoinflammatory syndrome. Identifiers: Orphanet 93665, MedGen C3890737, MONDO:0019751.
Inborn genetic diseases. Identifiers: MedGen C0950123, MeSH D030342.
Familial cold autoinflammatory syndrome 2 (FCAS2). Identifiers: Orphanet 247868, MedGen C2673198, MONDO:0012724, OMIM 611762.

Allele frequency attached by ClinVar (database versions not stated): gnomAD 0.00001; TOPMed 0.00001; ExAC 0.00002; gnomAD exomes 0.00002; 1000 Genomes Project 30x 0.00016; 1000 Genomes Project 0.00020.

Submissions (4):

Labcorp Genetics (formerly Invitae), Labcorp
Classification: Uncertain significance for Familial cold autoinflammatory syndrome 2. Last evaluated: 2025-12-15. Review status: criteria provided, single submitter. Criteria: Invitae Variant Classification Sherloc (09022015). Collection method: clinical testing. Allele origin: germline.
Comment: This sequence change replaces proline, which is neutral and non-polar, with leucine, which is neutral and non-polar, at codon 585 of the NLRP12 protein (p.Pro585Leu). This variant is present in population databases (rs569411184, gnomAD 0.01%). This variant has not been reported in the literature in individuals affected with NLRP12-related conditions. ClinVar contains an entry for this variant (Variation ID: 1694397). Invitae Evidence Modeling of protein sequence and biophysical properties (such as structural, functional, and spatial information, amino acid conservation, physicochemical variation, residue mobility, and thermodynamic stability) indicates that this missense variant is not expected to disrupt NLRP12 protein function with a negative predictive value of 80%. In summary, the available evidence is currently insufficient to determine the role of this variant in disease. Therefore, it has been classified as a Variant of Uncertain Significance.

Ambry Genetics
Classification: Uncertain significance for Inborn genetic diseases. Last evaluated: 2024-07-17. Review status: criteria provided, single submitter. Criteria: Ambry Variant Classification Scheme 2023. Collection method: clinical testing. Allele origin: germline.

Genetics and Molecular Pathology, SA Pathology
Classification: Uncertain significance for Familial cold autoinflammatory syndrome 2. Last evaluated: 2022-01-17. Review status: criteria provided, single submitter. Criteria: ACMG Guidelines, 2015. Collection method: clinical testing. Allele origin: germline. Inheritance: Autosomal dominant inheritance. Affected: yes.
Comment: VUS (PM2)

Genome Diagnostics Laboratory, The Hospital for Sick Children
Classification: Uncertain significance for Autoinflammatory syndrome. Last evaluated: 2016-12-12. Review status: criteria provided, single submitter. Criteria: ACMG Guidelines, 2015. Collection method: clinical testing. Allele origin: germline. Affected: yes.

NM_144687.4(NLRP12):c.1754C>T (p.Pro585Leu)

Gene: NLRP12 (NLR family pyrin domain containing 12; minus strand). Cytogenetic location: 19q13.42.
Variant type: single nucleotide variant.
Coding change: c.1754C>T on transcript NM_144687.4 (MANE Select); coding-DNA position 1754, C replaced by T.
Protein change: p.Pro585Leu; replaces proline 585 with leucine.
Molecular consequence: missense variant.
Genome position (GRCh38, 1-based): chr19:53,809,905, G>A on the plus strand (C>T on the coding strand, the complement: NLRP12 is on the minus strand). VCF-style: chr19-53809905-G-A. GRCh37 (hg19) VCF-style: chr19-54313159-G-A.
Other names: c.1754C>T (NM_144687.2); c.1754C>T, p.Pro585Leu (NM_001277126.2, NM_001277129.1); short protein forms P585L.
Identifiers: ClinVar variation 1694397 (VCV001694397.7), dbSNP rs569411184, ClinGen allele CA9639355.